The following is an entry in ClinVar:

NM_001386298.1(CIC):c.5493C>T (p.Val1831=)

Gene: CIC (capicua transcriptional repressor; plus strand). Cytogenetic location: 19q13.2.
Variant type: single nucleotide variant.
Coding change: c.5493C>T on transcript NM_001386298.1 (MANE Select); coding-DNA position 5493, C replaced by T.
Protein change: p.Val1831=; no amino-acid change (valine 1831 retained).
Molecular consequence: synonymous variant.
Genome position (GRCh38, 1-based): chr19:42,291,625, C>T. VCF-style: chr19-42291625-C-T. GRCh37 (hg19) VCF-style: chr19-42795777-C-T.
Other names: c.2766C>T, p.Val922= (NM_001379484.1, NM_001379485.1, NM_015125.5); c.5493C>T, p.Val1831= (NM_001304815.2, NM_001379480.1, NM_001379482.1 and 1 more transcripts).
Identifiers: ClinVar variation 2650000 (VCV002650000.24), dbSNP rs2038114488, ClinGen allele CA507609928.

ClinVar aggregate classification (germline): Likely benign (1 of 4 stars; one submission).

Allele frequency attached by ClinVar (database versions not stated): gnomAD exomes below 0.00001.
gnomAD v4.1: 5 of 1,613,020 alleles (0.00031%); highest among the groups gnomAD compares: Non-Finnish European, 0.00042%; no homozygotes.

Submission:

CeGaT Center for Human Genetics Tuebingen
Classification: Likely benign. Last evaluated: 2023-03-01. Review status: criteria provided, single submitter. Criteria: CeGaT Center For Human Genetics Tuebingen Variant Classification Criteria Version 2. Collection method: clinical testing. Allele origin: germline. Affected: yes. Observed: 1 variant allele.
Comment: CIC: PM2:Supporting, BP4, BP7